The following is an entry in ClinVar:

NM_007118.4(TRIO):c.158-12_158-10del

Gene: TRIO (trio Rho guanine nucleotide exchange factor; plus strand). Cytogenetic location: 5p15.2.
Variant type: Deletion.
Coding change: c.158-12_158-10del on transcript NM_007118.4 (MANE Select); 12 bases into the intron before coding-DNA position 158 through 10 bases into the intron before coding-DNA position 158, 3 bases deleted (TCT; older notation c.158-12_158-10delTCT).
Molecular consequence: intron variant.
Genome position (GRCh38, 1-based): chr5:14,270,813-14,270,815, TCT deleted; deleting any 3 consecutive bases within chr5:14,270,811-14,270,815 gives the same sequence; the c. name uses the placement nearest the transcript's 3' end. VCF-style (leftmost placement, unchanged base first): chr5-14270810-CCTT-C. GRCh37 (hg19) VCF-style: chr5-14270919-CCTT-C.
Other names: c.158-12_158-10delTCT (NM_007118.4, NM_007118.3).
Identifiers: ClinVar variation 4848262 (VCV004848262.2).

ClinVar aggregate classification (germline): Likely benign. Review status: criteria provided, multiple submitters, no conflicts (2 of 4 stars). 2 submissions from 2 submitters: Likely benign (2). Last evaluated 2026-02-18.

Conditions:
TRIO-related disorder. Also called: TRIO-related disorders; TRIO-related condition.

Submissions (2):

Women's Health and Genetics/Laboratory Corporation of America, LabCorp
Classification: Likely benign. Last evaluated: 2026-02-18. Review status: criteria provided, single submitter. Criteria: LabCorp Variant Classification Summary - May 2015. Collection method: clinical testing. Allele origin: germline.

PreventionGenetics, part of Exact Sciences
Classification: Likely benign for TRIO-related condition. Last evaluated: 2025-05-26. Review status: criteria provided, single submitter. Criteria: ACMG Guidelines, 2015. Collection method: clinical testing. Allele origin: germline.
Comment: This variant is classified as likely benign based on ACMG/AMP sequence variant interpretation guidelines (Richards et al. 2015 PMID: 25741868, with internal and published modifications).